The following is an entry in ClinVar:

ClinVar aggregate classification (germline): Uncertain significance (1 of 4 stars; one submission).

Conditions:
Neurodevelopmental disorder with or without early-onset generalized epilepsy. Identifiers: MedGen C5436914, MONDO:0030930, OMIM 619157.

Submission:

OLLIN Analises Genomicas, OLLIN
Classification: Uncertain significance for Neurodevelopmental disorder with or without early-onset generalized epilepsy. Last evaluated: 2026-08-06. Review status: criteria provided, single submitter. Criteria: ACMG Guidelines 2015 PMID 25741868. Collection method: clinical testing. Allele origin: germline. Inheritance: Autosomal dominant inheritance.
Comment: This missense variant, located in exon 28 (of 59), is absent from gnomAD and ClinVar and has not been identified in the literature. In silico analysis predicts that this variant has a tolerated effect. This gene is constrained for missense variation. According to the currently available evidence, this variant has been classified as uncertain significance (PM2_P, PP2, BP4_M).

NM_001385012.1(NBEA):c.4581C>G (p.Asn1527Lys)

Gene: NBEA (neurobeachin; plus strand). Cytogenetic location: 13q13.3.
Variant type: single nucleotide variant.
Coding change: c.4581C>G on transcript NM_001385012.1 (MANE Select); coding-DNA position 4581, C replaced by G.
Protein change: p.Asn1527Lys; replaces asparagine 1527 with lysine.
Molecular consequence: missense variant.
Genome position (GRCh38, 1-based): chr13:35,177,022, C>G. VCF-style: chr13-35177022-C-G. GRCh37 (hg19) VCF-style: chr13-35751159-C-G.
Other names: c.4572C>G, p.Asn1524Lys (NM_001379245.1); c.4581C>G, p.Asn1527Lys (NM_015678.5); short protein forms N1524K, N1527K.
Identifiers: ClinVar variation 5002717 (VCV005002717.1).
Genomic context (GRCh38, chr13:35,177,022, plus strand): 5'-TATTATCTATTCACAATTCTTTTTATTTTCAAAGACTCCATTGGAAAATGTTCCAGGTAA[C>G]CTTTCTCCTATTAAGGATCCGGATAGACTTCTTCAGGATGTTGATATCAATCGCCTTCGT-3'
Protein context (NP_001371941.1, residues 1517-1537): SKTPLENVPG[Asn1527Lys]LSPIKDPDRL